The following is an entry in ClinVar:

ClinVar aggregate classification (germline): Uncertain significance. Review status: criteria provided, multiple submitters, no conflicts (2 of 4 stars). 3 submissions from 3 submitters: Uncertain significance (3). Last evaluated 2026-01-05.

Conditions:
Inborn genetic diseases. Identifiers: MedGen C0950123, MeSH D030342.

Allele frequency attached by ClinVar (database versions not stated): gnomAD 0.00014 and 0.00013; TOPMed 0.00015; ESP Exome Variant Server 0.00031; gnomAD exomes 0.00001 and 0.00003; ExAC 0.00004.
gnomAD v4.1: 38 of 1,614,128 alleles (0.0024%); highest among the groups gnomAD compares: African/African-American, 0.027%; no homozygotes.

Submissions (3):

Labcorp Genetics (formerly Invitae), Labcorp
Classification: Uncertain significance. Last evaluated: 2026-01-05. Review status: criteria provided, single submitter. Criteria: Invitae Variant Classification Sherloc (09022015). Collection method: clinical testing. Allele origin: germline.
Comment: This sequence change replaces aspartic acid, which is acidic and polar, with glycine, which is neutral and non-polar, at codon 66 of the GJB3 protein (p.Asp66Gly). This variant is present in population databases (rs145542354, gnomAD 0.02%). This variant has not been reported in the literature in individuals affected with GJB3-related conditions. ClinVar contains an entry for this variant (Variation ID: 1329838). Invitae Evidence Modeling of protein sequence and biophysical properties (such as structural, functional, and spatial information, amino acid conservation, physicochemical variation, residue mobility, and thermodynamic stability) indicates that this missense variant is expected to disrupt GJB3 protein function with a positive predictive value of 80%. In summary, the available evidence is currently insufficient to determine the role of this variant in disease. Therefore, it has been classified as a Variant of Uncertain Significance.

Ambry Genetics
Classification: Uncertain significance for Inborn genetic diseases. Last evaluated: 2025-12-22. Review status: criteria provided, single submitter. Criteria: Ambry Variant Classification Scheme 2023. Collection method: clinical testing. Allele origin: germline.

GeneDx
Classification: Uncertain significance. Last evaluated: 2021-06-24. Review status: criteria provided, single submitter. Criteria: GeneDx Variant Classification Process June 2021. Collection method: clinical testing. Allele origin: germline. Affected: yes.
Comment: In silico analysis supports that this missense variant has a deleterious effect on protein structure/function; Has not been previously published as pathogenic or benign to our knowledge; This variant is associated with the following publications: (PMID: 27535533)

NM_024009.3(GJB3):c.197A>G (p.Asp66Gly)

Gene: GJB3 (gap junction protein beta 3; plus strand). Cytogenetic location: 1p34.3.
Variant type: single nucleotide variant.
Coding change: c.197A>G on transcript NM_024009.3 (MANE Select); coding-DNA position 197, A replaced by G.
Protein change: p.Asp66Gly; replaces aspartic acid 66 with glycine.
Molecular consequence: missense variant.
Genome position (GRCh38, 1-based): chr1:34,784,959, A>G. VCF-style: chr1-34784959-A-G. GRCh37 (hg19) VCF-style: chr1-35250560-A-G.
Other names: c.197A>G, p.Asp66Gly (NM_001005752.2); short protein forms D66G.
Identifiers: ClinVar variation 1329838 (VCV001329838.7), dbSNP rs145542354, ClinGen allele CA754775.